The following is an entry in ClinVar:

ClinVar aggregate classification (germline): Uncertain significance (1 of 4 stars; one submission).

Conditions:
Deficiency of adenosine deaminase 2. Also called: Polyarteritis nodosa, childhoood-onset; Adenosine Deaminase 2 Deficiency; VASCULITIS, AUTOINFLAMMATION, IMMUNODEFICIENCY, AND HEMATOLOGIC DEFECTS SYNDROME. Identifiers: Orphanet 404553, MedGen C3887654, MONDO:0014306, OMIM 615688, MONDO:0100317.

Submission:

Labcorp Genetics (formerly Invitae), Labcorp
Classification: Uncertain significance for Deficiency of adenosine deaminase 2. Last evaluated: 2023-03-02. Review status: criteria provided, single submitter. Criteria: Invitae Variant Classification Sherloc (09022015). Collection method: clinical testing. Allele origin: germline.
Comment: This variant is not present in population databases (gnomAD no frequency). This sequence change replaces methionine, which is neutral and non-polar, with arginine, which is basic and polar, at codon 64 of the ADA2 protein (p.Met64Arg). This variant has not been reported in the literature in individuals affected with ADA2-related conditions. In summary, the available evidence is currently insufficient to determine the role of this variant in disease. Therefore, it has been classified as a Variant of Uncertain Significance. Algorithms developed to predict the effect of missense changes on protein structure and function output the following: SIFT: "Not Available"; PolyPhen-2: "Benign"; Align-GVGD: "Not Available". The arginine amino acid residue is found in multiple mammalian species, which suggests that this missense change does not adversely affect protein function.

NM_001282225.2(ADA2):c.191T>G (p.Met64Arg)

Gene: ADA2 (adenosine deaminase 2; minus strand). Cytogenetic location: 22q11.1.
Variant type: single nucleotide variant.
Coding change: c.191T>G on transcript NM_001282225.2 (MANE Select); coding-DNA position 191, T replaced by G.
Protein change: p.Met64Arg; replaces methionine 64 with arginine.
Molecular consequence: missense variant. On other transcripts: intron variant (1).
Genome position (GRCh38, 1-based): chr22:17,209,487, A>C on the plus strand (T>G on the coding strand, the complement: ADA2 is on the minus strand). VCF-style: chr22-17209487-A-C. GRCh37 (hg19) VCF-style: chr22-17690377-A-C.
Other names: c.191T>G, p.Met64Arg (NM_001282226.2); c.65T>G, p.Met22Arg (NM_001282227.2, NM_001282228.2); c.-38-2197T>G (NM_001282229.2); short protein forms M64R, M22R.
Identifiers: ClinVar variation 2958253 (VCV002958253.3), dbSNP rs2062393352, ClinGen allele CA410230572.